The following is an entry in ClinVar:

ClinVar aggregate classification (germline): Likely benign. Review status: criteria provided, multiple submitters, no conflicts (2 of 4 stars). 7 submissions from 7 submitters: Likely benign (7). Last evaluated 2025-12-30.

Conditions:
POLD1-related polyposis and colorectal cancer syndrome (CRCS10). Also called: Colorectal cancer 10; Colorectal cancer, susceptibility to, 10; COLORECTAL CANCER, SUSCEPTIBILITY TO, ON CHROMOSOME 19q. Identifiers: Orphanet 220460, MedGen C2675481, MONDO:0012953, OMIM 612591.
Hereditary cancer-predisposing syndrome. Also called: Neoplastic Syndromes, Hereditary; Hereditary neoplastic syndrome; Tumor predisposition; Hereditary Cancer Syndrome. Identifiers: Orphanet 140162, MedGen C0027672, MeSH D009386, MONDO:0015356.

Allele frequency attached by ClinVar (database versions not stated): gnomAD exomes 0.00001 and 0.00002; gnomAD 0.00003 and 0.00004; TOPMed 0.00008.
gnomAD v4.1: 26 of 1,613,514 alleles (0.0016%); highest among the groups gnomAD compares: Middle Eastern, 0.016%; no homozygotes.

Submissions (7):

Labcorp Genetics (formerly Invitae), Labcorp
Classification: Likely benign for POLD1-related polyposis and colorectal cancer syndrome. Last evaluated: 2025-12-30. Review status: criteria provided, single submitter. Criteria: Invitae Variant Classification Sherloc (09022015). Collection method: clinical testing. Allele origin: germline.

CeGaT Center for Human Genetics Tuebingen
Classification: Likely benign. Last evaluated: 2025-09-01. Review status: criteria provided, single submitter. Criteria: CeGaT Center For Human Genetics Tuebingen Variant Classification Criteria Version 2. Collection method: clinical testing. Allele origin: germline. Affected: yes. Observed: 2 variant alleles.
Comment: POLD1: BP4, BP7

Blueprint Genetics
Classification: Likely benign. Last evaluated: 2024-03-20. Review status: criteria provided, single submitter. Criteria: ACMG Guidelines, 2015. Collection method: clinical testing. Allele origin: germline.

Women's Health and Genetics/Laboratory Corporation of America, LabCorp
Classification: Likely benign. Last evaluated: 2022-11-03. Review status: criteria provided, single submitter. Criteria: LabCorp Variant Classification Summary - May 2015. Collection method: clinical testing. Allele origin: germline.

Sema4
Classification: Likely benign for Hereditary cancer-predisposing syndrome. Last evaluated: 2021-07-05. Review status: criteria provided, single submitter. Criteria: Sema4 Curation Guidelines. Collection method: curation. Allele origin: germline.

GeneDx
Classification: Likely benign. Last evaluated: 2019-05-30. Review status: criteria provided, single submitter. Criteria: GeneDx Variant Classification Process June 2021. Collection method: clinical testing. Allele origin: germline. Affected: yes.

Ambry Genetics
Classification: Likely benign for Hereditary cancer-predisposing syndrome. Last evaluated: 2017-05-25. Review status: criteria provided, single submitter. Criteria: Ambry Variant Classification Scheme 2023. Collection method: clinical testing. Allele origin: germline.

NM_002691.4(POLD1):c.1863C>T (p.Leu621=)

Gene: POLD1 (DNA polymerase delta 1, catalytic subunit; plus strand). Cytogenetic location: 19q13.33.
Variant type: single nucleotide variant.
Coding change: c.1863C>T on transcript NM_002691.4 (MANE Select); coding-DNA position 1863, C replaced by T.
Protein change: p.Leu621=; no amino-acid change (leucine 621 retained).
Molecular consequence: synonymous variant. On other transcripts: non-coding transcript variant (1).
Genome position (GRCh38, 1-based): chr19:50,408,872, C>T. VCF-style: chr19-50408872-C-T. GRCh37 (hg19) VCF-style: chr19-50912129-C-T.
Other names: c.1863C>T, p.Leu621= (NM_001256849.1); c.1941C>T, p.Leu647= (NM_001308632.1).
Identifiers: ClinVar variation 384116 (VCV000384116.33), dbSNP rs963813695, ClinGen allele CA16609021.